The following is an entry in ClinVar:

ClinVar aggregate classification (germline): Uncertain significance. Review status: criteria provided, multiple submitters, no conflicts (2 of 4 stars). 2 submissions from 2 submitters: Uncertain significance (2). Last evaluated 2025-01-19.

Conditions:
Inborn genetic diseases. Identifiers: MedGen C0950123, MeSH D030342.

gnomAD v4.1: 1 of 1,612,774 alleles (0.000062%); highest among the groups gnomAD compares: Non-Finnish European, 0.000085%; no homozygotes.

Submissions (2):

Ambry Genetics
Classification: Uncertain significance for Inborn genetic diseases. Last evaluated: 2025-01-19. Review status: criteria provided, single submitter. Criteria: Ambry Variant Classification Scheme 2023. Collection method: clinical testing. Allele origin: germline.

Labcorp Genetics (formerly Invitae), Labcorp
Classification: Uncertain significance. Last evaluated: 2023-11-17. Review status: criteria provided, single submitter. Criteria: Invitae Variant Classification Sherloc (09022015). Collection method: clinical testing. Allele origin: germline.
Comment: This sequence change replaces glutamine, which is neutral and polar, with proline, which is neutral and non-polar, at codon 32 of the FN1 protein (p.Gln32Pro). This variant is not present in population databases (gnomAD no frequency). This variant has not been reported in the literature in individuals affected with FN1-related conditions. Advanced modeling of protein sequence and biophysical properties (such as structural, functional, and spatial information, amino acid conservation, physicochemical variation, residue mobility, and thermodynamic stability) performed at Invitae indicates that this missense variant is not expected to disrupt FN1 protein function with a negative predictive value of 80%. In summary, the available evidence is currently insufficient to determine the role of this variant in disease. Therefore, it has been classified as a Variant of Uncertain Significance.

NM_212482.4(FN1):c.95A>C (p.Gln32Pro)

Genes: FN1 (fibronectin 1; minus strand), FN1-DT (FN1 divergent transcript; plus strand). Cytogenetic location: 2q35.
Variant type: single nucleotide variant.
Coding change: c.95A>C on transcript NM_212482.4 (MANE Select); coding-DNA position 95, A replaced by C.
Protein change: p.Gln32Pro; replaces glutamine 32 with proline.
Molecular consequence: missense variant. On other transcripts: non-coding transcript variant (1).
Genome position (GRCh38, 1-based): chr2:215,435,708, T>G on the plus strand (A>C on the coding strand, the complement: FN1 is on the minus strand). VCF-style: chr2-215435708-T-G. GRCh37 (hg19) VCF-style: chr2-216300431-T-G.
Other names: c.95A>C, p.Gln32Pro (NM_001306129.2, NM_001306130.2, NM_001306131.2 and 14 more transcripts); c.95A>C (NM_212482.1); short protein forms Q32P.
Identifiers: ClinVar variation 3008033 (VCV003008033.4), dbSNP rs2470619230, ClinGen allele CA350480787.
Genomic context (GRCh38, chr2:215,435,708, plus strand): 5'-TACTCACGCTTGCTTTGACTGACAGCCACCGGGGACTGGGGCTGAACCATTTGCTGAGCC[T>G]GCCTCTTGCTCTTCGAGGCTCCCGTGGAGGGCACCGCTGTCCCCAGGCACTGGACGGCCA-3'
Protein context (NP_997647.2, residues 22-42): PSTGASKSKR[Gln32Pro]AQQMVQPQSP